The following is an entry in ClinVar:

NM_005845.4(ABCC4):c.-29819_74+19835dup

Genes: ABCC4 (ATP binding cassette subfamily C member 4 (PEL blood group); minus strand), LOC130009962 (ATAC-STARR-seq lymphoblastoid active region 7873; plus strand), LOC130009963 (ATAC-STARR-seq lymphoblastoid active region 7874; plus strand), LOC130009964 (ATAC-STARR-seq lymphoblastoid active region 7875; plus strand). Cytogenetic location: 13q32.1.
Variant type: Duplication.
Coding change: c.-29819_74+19835dup on transcript NM_005845.4; 29819 bases upstream of the start codon through 19835 bases into the intron after coding-DNA position 74, this stretch duplicated.
Identifiers: ClinVar variation 157294 (VCV000157294.2).

ClinVar aggregate classification (germline): not provided (0 of 4 stars; one submission).

Conditions:
Gestational diabetes mellitus uncontrolled. Identifiers: MedGen C3532257.

Submission:

Institute of Molecular and Cell Biology, University of Tartu
No classification provided. Condition: Gestational diabetes mellitus uncontrolled. Review status: no classification provided. Collection method: case-control. Allele origin: unknown. Affected: yes. Study: Kasak2014.
Comment: The study aimed to determine the contribution of copy number variants in the genetic etiology of normal and complicated pregnancies. The samples represented (i) maternal blood DNA drawn from healthy pregnant women during 1st or 2nd trimester and (ii) maternal and paternal blood DNA drawn at term pregnancy cases representing normal and complicated gestations (severe preeclampsia, PE; gestational diabetes, GD; small-for-gestational age newborn, SGA; large-for-gestational age newborn, LGA). We performed CNV calling based on genome-wide genotyping dataset (Illumina HumanOmniExpress-24-v1 BeadChip) by applying three algorithms, QuantiSNP, GADA (Genome Alteration Detection Algorithm) and CNstream in parallel. The acquired CNV calls were merged with HD-CNV (Hotspot Detector for Copy Number Variants) program and only the CNVs predicted by at least two programs, were considered in subsequent analysis.

Literature cited by the submitters: PubMed 25666259.